The following is an entry in ClinVar:

ClinVar aggregate classification (germline): Uncertain significance. Review status: criteria provided, multiple submitters, no conflicts (2 of 4 stars). 2 submissions from 2 submitters: Uncertain significance (2). Last evaluated 2025-10-07.

Conditions:
Hypertrophic cardiomyopathy 1 (CMH1). Also called: MYH7-Related Familial Hypertrophic Cardiomyopathy; Familial hypertrophic cardiomyopathy 1. Identifiers: MedGen C3495498, MONDO:0008647, OMIM 192600.
Cardiomyopathy (CMYO). Also called: Cardiomyopathies. Identifiers: Orphanet 167848, MedGen C0878544, MONDO:0004994, HP:0001638. Inheritance: Various modes of inheritance.

Allele frequency attached by ClinVar (database versions not stated): TOPMed 0.00001.

Submissions (2):

Clinical Genomics Laboratory, Washington University in St. Louis
Classification: Uncertain significance for Hypertrophic cardiomyopathy 1. Last evaluated: 2025-10-07. Review status: criteria provided, single submitter. Criteria: ACMG Guidelines, 2015. Collection method: clinical testing. Allele origin: germline.
Comment: A CAV3 c. 391C>A (p.Pro131Thr) missense variant was identified in a heterozygous state. This variant, to our knowledge, has not been reported in the literature. It is absent from the general population (gnomAD v2.1.1), indicating it is not a common variant. Computational predictors indicate that the variant is damaging, evidence that correlates with impact to CAV3 function.The clinical significance of this variant is uncertain.

CHEO Genetics Diagnostic Laboratory, Children's Hospital of Eastern Ontario
Classification: Uncertain significance for Cardiomyopathy. Last evaluated: 2015-08-24. Review status: criteria provided, single submitter. Criteria: ACMG Guidelines, 2015. Collection method: clinical testing. Allele origin: germline. Study: Canadian Open Genetics Repository.

NM_033337.3(CAV3):c.391C>A (p.Pro131Thr)

Genes: CAV3 (caveolin 3; plus strand), OXTR (oxytocin receptor; minus strand). Cytogenetic location: 3p25.3.
Variant type: single nucleotide variant.
Coding change: c.391C>A on transcript NM_033337.3 (MANE Select); coding-DNA position 391, C replaced by A.
Protein change: p.Pro131Thr; replaces proline 131 with threonine.
Molecular consequence: missense variant.
Genome position (GRCh38, 1-based): chr3:8,745,802, C>A. VCF-style: chr3-8745802-C-A. GRCh37 (hg19) VCF-style: chr3-8787488-C-A.
Other names: c.391C>A, p.Pro131Thr (NM_001234.5); short protein forms P131T.
Identifiers: ClinVar variation 626472 (VCV000626472.3), dbSNP rs1024814421, ClinGen allele CA69870639.
Genomic context (GRCh38, chr3:8,745,802, plus strand): 5'-CTGATCGAGATCCAGTGCATCAGCCACATCTACTCACTCTGCATCCGCACCTTCTGCAAC[C>A]CACTCTTCGCGGCCCTGGGCCAGGTCTGCAGCAGCATCAAGGTGGTGCTGCGGAAGGAGG-3'
Protein context (NP_203123.1, residues 121-141): YSLCIRTFCN[Pro131Thr]LFAALGQVCS